The following is an entry in ClinVar:

NM_004370.6(COL12A1):c.4371G>T (p.Val1457=)

Gene: COL12A1 (collagen type XII alpha 1 chain; minus strand). Cytogenetic location: 6q13.
Variant type: single nucleotide variant.
Coding change: c.4371G>T on transcript NM_004370.6 (MANE Select); coding-DNA position 4371, G replaced by T.
Protein change: p.Val1457=; no amino-acid change (valine 1457 retained).
Molecular consequence: synonymous variant.
Genome position (GRCh38, 1-based): chr6:75,147,721, C>A on the plus strand (G>T on the coding strand, the complement: COL12A1 is on the minus strand). VCF-style: chr6-75147721-C-A. GRCh37 (hg19) VCF-style: chr6-75857437-C-A.
Other names: c.879G>T, p.Val293= (NM_080645.3).
Identifiers: ClinVar variation 475867 (VCV000475867.10), dbSNP rs761741355, ClinGen allele CA3893466.

ClinVar aggregate classification (germline): Conflicting classifications of pathogenicity. Review status: criteria provided, conflicting classifications (1 of 4 stars). 2 submissions from 2 submitters: Uncertain significance (1); Likely benign (1). Last evaluated 2025-01-30.

Conditions:
Ullrich congenital muscular dystrophy 2 (UCMD2). Identifiers: Orphanet 75840, MedGen C4225314, MONDO:0014654, OMIM 616470.
Bethlem myopathy 2 (BTHLM2). Identifiers: Orphanet 536516, Orphanet 610, MedGen C4225313, MONDO:0034022, OMIM 616471.

Allele frequency attached by ClinVar (database versions not stated): gnomAD 0.00001; gnomAD exomes 0.00001 and 0.00002; TOPMed 0.00001; ExAC 0.00002.
gnomAD v4.1: 10 of 1,613,018 alleles (0.00062%); highest among the groups gnomAD compares: Middle Eastern, 0.016%; no homozygotes.

Submissions (2):

Labcorp Genetics (formerly Invitae), Labcorp
Classification: Likely benign for Bethlem myopathy 2; Ullrich congenital muscular dystrophy 2. Last evaluated: 2025-01-30. Review status: criteria provided, single submitter. Criteria: Invitae Variant Classification Sherloc (09022015). Collection method: clinical testing. Allele origin: germline.

GeneDx
Classification: Uncertain significance. Last evaluated: 2023-07-03. Review status: criteria provided, single submitter. Criteria: GeneDx Variant Classification Process June 2021. Collection method: clinical testing. Allele origin: germline. Affected: yes.
Comment: Has not been previously published as pathogenic or benign to our knowledge; In silico analysis suggests this variant may impact gene splicing. In the absence of RNA/functional studies, the actual effect of this sequence change is unknown.